The following is an entry in ClinVar:

NM_016247.4(IMPG2):c.1157G>A (p.Arg386Lys)

Gene: IMPG2 (interphotoreceptor matrix proteoglycan 2; minus strand). Cytogenetic location: 3q12.3.
Variant type: single nucleotide variant.
Coding change: c.1157G>A on transcript NM_016247.4 (MANE Select); coding-DNA position 1157, G replaced by A.
Protein change: p.Arg386Lys; replaces arginine 386 with lysine.
Molecular consequence: missense variant.
Genome position (GRCh38, 1-based): chr3:101,253,778, C>T on the plus strand (G>A on the coding strand, the complement: IMPG2 is on the minus strand). VCF-style: chr3-101253778-C-T. GRCh37 (hg19) VCF-style: chr3-100972622-C-T.
Other names: short protein forms R386K.
Identifiers: ClinVar variation 3364267 (VCV003364267.1).

ClinVar aggregate classification (germline): Uncertain significance (1 of 4 stars; one submission).

gnomAD v4.1: 2 of 1,607,008 alleles (0.00012%); highest among the groups gnomAD compares: Admixed American, 0.0034%; no homozygotes.

Submission:

GeneDx
Classification: Uncertain significance. Last evaluated: 2023-11-12. Review status: criteria provided, single submitter. Criteria: GeneDx Variant Classification Process June 2021. Collection method: clinical testing. Allele origin: germline. Affected: yes.
Comment: Not observed at significant frequency in large population cohorts (gnomAD); In silico analysis supports that this missense variant does not alter protein structure/function; Has not been previously published as pathogenic or benign to our knowledge